The following is an entry in ClinVar:

NM_001278116.2(L1CAM):c.2747G>A (p.Gly916Glu)

Gene: L1CAM (L1 cell adhesion molecule; minus strand). Cytogenetic location: Xq28.
Variant type: single nucleotide variant.
Coding change: c.2747G>A on transcript NM_001278116.2 (MANE Select); coding-DNA position 2747, G replaced by A.
Protein change: p.Gly916Glu; replaces glycine 916 with glutamic acid.
Molecular consequence: missense variant.
Genome position (GRCh38, 1-based): chrX:153,865,301, C>T on the plus strand (G>A on the coding strand, the complement: L1CAM is on the minus strand). VCF-style: chrX-153865301-C-T. GRCh37 (hg19) VCF-style: chrX-153130756-C-T.
Other names: c.2747G>A, p.Gly916Glu (NM_000425.5, NM_024003.3); c.2732G>A, p.Gly911Glu (NM_001143963.2); short protein forms G911E, G916E.
Identifiers: ClinVar variation 2810263 (VCV002810263.3), dbSNP rs2520973866, ClinGen allele CA415115379.

ClinVar aggregate classification (germline): Uncertain significance (1 of 4 stars; one submission).

Conditions:
Spastic paraplegia. Identifiers: MedGen C0037772, HP:0001258.

Submission:

Labcorp Genetics (formerly Invitae), Labcorp
Classification: Uncertain significance for Spastic paraplegia. Last evaluated: 2024-07-29. Review status: criteria provided, single submitter. Criteria: Invitae Variant Classification Sherloc (09022015). Collection method: clinical testing. Allele origin: germline.
Comment: This sequence change replaces glycine, which is neutral and non-polar, with glutamic acid, which is acidic and polar, at codon 916 of the L1CAM protein (p.Gly916Glu). This variant is not present in population databases (gnomAD no frequency). This variant has not been reported in the literature in individuals affected with L1CAM-related conditions. An algorithm developed to predict the effect of missense changes on protein structure and function (PolyPhen-2) suggests that this variant is likely to be disruptive. In summary, the available evidence is currently insufficient to determine the role of this variant in disease. Therefore, it has been classified as a Variant of Uncertain Significance.